The following is an entry in ClinVar:

ClinVar aggregate classification (germline): Uncertain significance. Review status: criteria provided, multiple submitters, no conflicts (2 of 4 stars). 2 submissions from 2 submitters: Uncertain significance (2). Last evaluated 2021-08-07.

Conditions:
Paroxysmal nonkinesigenic dyskinesia. Also called: Paroxysmal non-kinesigenic dyskinesia. Identifiers: Orphanet 98810, MedGen C1869117, MONDO:0700088.

Submissions (2):

Labcorp Genetics (formerly Invitae), Labcorp
Classification: Uncertain significance for Paroxysmal nonkinesigenic dyskinesia. Last evaluated: 2021-08-07. Review status: criteria provided, single submitter. Criteria: Invitae Variant Classification Sherloc (09022015). Collection method: clinical testing. Allele origin: germline.
Comment: This sequence change falls in intron 6 of the PNKD gene. It does not directly change the encoded amino acid sequence of the PNKD protein. It affects a nucleotide within the consensus splice site of the intron. This variant is not present in population databases (ExAC no frequency). This variant has not been reported in the literature in individuals affected with PNKD-related conditions. ClinVar contains an entry for this variant (Variation ID: 493311). Variants that disrupts the consensus splice site are a relatively common cause of aberrant splicing (PMID: 17576681, 9536098). Algorithms developed to predict the effect of sequence changes on RNA splicing suggest that this variant may disrupt the consensus splice site. In summary, the available evidence is currently insufficient to determine the role of this variant in disease. Therefore, it has been classified as a Variant of Uncertain Significance.

CeGaT Center for Human Genetics Tuebingen
Classification: Uncertain significance. Last evaluated: 2017-11-01. Review status: criteria provided, single submitter. Criteria: CeGaT Center For Human Genetics Tuebingen Variant Classification Criteria Version 2. Collection method: clinical testing. Allele origin: germline. Affected: yes. Observed: 1 variant allele.

Literature cited by the submitters: PubMed 17576681 (cited by Labcorp Genetics (formerly Invitae), Labcorp); PubMed 9536098 (cited by Labcorp Genetics (formerly Invitae), Labcorp).

NM_015488.5(PNKD):c.617+5G>C

Genes: CATIP-AS2 (CATIP antisense RNA 2; minus strand), PNKD (PNKD metallo-beta-lactamase domain containing; plus strand). Cytogenetic location: 2q35.
Variant type: single nucleotide variant.
Coding change: c.617+5G>C on transcript NM_015488.5 (MANE Select); 5 bases into the intron after coding-DNA position 617, G replaced by C.
Molecular consequence: intron variant.
Genome position (GRCh38, 1-based): chr2:218,341,631, G>C. VCF-style: chr2-218341631-G-C. GRCh37 (hg19) VCF-style: chr2-219206354-G-C.
Other names: c.545+5G>C (NM_022572.4).
Identifiers: ClinVar variation 493311 (VCV000493311.48), dbSNP rs1553674205, ClinGen allele CA658683295.